The following is an entry in ClinVar:

NM_001939.3(DRP2):c.217C>G (p.Pro73Ala)

Gene: DRP2 (dystrophin related protein 2; plus strand). Cytogenetic location: Xq22.1.
Variant type: single nucleotide variant.
Coding change: c.217C>G on transcript NM_001939.3 (MANE Select); coding-DNA position 217, C replaced by G.
Protein change: p.Pro73Ala; replaces proline 73 with alanine.
Molecular consequence: missense variant. On other transcripts: 5 prime UTR variant (1).
Genome position (GRCh38, 1-based): chrX:101,235,959, C>G. VCF-style: chrX-101235959-C-G. GRCh37 (hg19) VCF-style: chrX-100490948-C-G.
Other names: c.-18C>G (NM_001171184.2); c.217C>G (NM_001939.2); short protein forms P73A.
Identifiers: ClinVar variation 1374840 (VCV001374840.9), dbSNP rs939937424, ClinGen allele CA333088952.
Genomic context (GRCh38, chrX:101,235,959, plus strand): 5'-GGTGCTGGGGTTCCCTGCCTAAGCCTAAAGCTGTTGAACGGGTCTGTTGGTGCCTCTGGA[C>G]CCCTGGAACCACCAGCCATGAATCTGTGTTGGAATGAAATAAAAAAGAAGTCTCACAACC-3'
Protein context (NP_001930.2, residues 63-83): LLNGSVGASG[Pro73Ala]LEPPAMNLCW

ClinVar aggregate classification (germline): Uncertain significance. Review status: criteria provided, multiple submitters, no conflicts (2 of 4 stars). 2 submissions from 2 submitters: Uncertain significance (2). Last evaluated 2025-08-21.

gnomAD v4.1: 20 of 1,210,120 alleles (0.0017%); highest among the groups gnomAD compares: African/African-American, 0.0035%; no homozygotes.

Submissions (2):

Labcorp Genetics (formerly Invitae), Labcorp
Classification: Uncertain significance. Last evaluated: 2025-08-21. Review status: criteria provided, single submitter. Criteria: Invitae Variant Classification Sherloc (09022015). Collection method: clinical testing. Allele origin: germline.
Comment: This sequence change replaces proline, which is neutral and non-polar, with alanine, which is neutral and non-polar, at codon 73 of the DRP2 protein (p.Pro73Ala). This variant is present in population databases (no rsID available, gnomAD 0.004%). This variant has not been reported in the literature in individuals affected with DRP2-related conditions. ClinVar contains an entry for this variant (Variation ID: 1374840). Invitae Evidence Modeling of protein sequence and biophysical properties (such as structural, functional, and spatial information, amino acid conservation, physicochemical variation, residue mobility, and thermodynamic stability) indicates that this missense variant is not expected to disrupt DRP2 protein function with a negative predictive value of 80%. In summary, the available evidence is currently insufficient to determine the role of this variant in disease. Therefore, it has been classified as a Variant of Uncertain Significance.

Ambry Genetics
Classification: Uncertain significance. Last evaluated: 2024-05-24. Review status: criteria provided, single submitter. Criteria: Ambry Variant Classification Scheme 2023. Collection method: clinical testing. Allele origin: germline.